The following is an entry in ClinVar:

NM_001845.6(COL4A1):c.1187G>A (p.Arg396Gln)

Gene: COL4A1 (collagen type IV alpha 1 chain; minus strand). Cytogenetic location: 13q34.
Variant type: single nucleotide variant.
Coding change: c.1187G>A on transcript NM_001845.6 (MANE Select); coding-DNA position 1187, G replaced by A.
Protein change: p.Arg396Gln; replaces arginine 396 with glutamine.
Molecular consequence: missense variant.
Genome position (GRCh38, 1-based): chr13:110,198,565, C>T on the plus strand (G>A on the coding strand, the complement: COL4A1 is on the minus strand). VCF-style: chr13-110198565-C-T. GRCh37 (hg19) VCF-style: chr13-110850912-C-T.
Other names: c.1187G>A (NM_001845.5, NM_001845.4); c.1187G>A, p.Arg396Gln (NM_001303110.2); short protein forms R396Q.
Identifiers: ClinVar variation 1597478 (VCV001597478.12), dbSNP rs138266832, ClinGen allele CA7048026.

ClinVar aggregate classification (germline): Conflicting classifications of pathogenicity. Review status: criteria provided, conflicting classifications (1 of 4 stars). 5 submissions from 5 submitters: Uncertain significance (2); Likely benign (3). Last evaluated 2026-09-01.

Conditions:
COL4A1-related disorder. Also called: COL4A1-related disorders; COL4A1-related condition. Identifiers: MedGen CN376119, MONDO:0800461.
Inborn genetic diseases. Identifiers: MedGen C0950123, MeSH D030342.
Intellectual disability. Also called: intellectual disabilities; Intellectual developmental disorder; Intellectual functioning disability. Identifiers: MedGen C3714756, MeSH D008607, MONDO:0001071, HP:0001249.

Allele frequency attached by ClinVar (database versions not stated): gnomAD exomes 0.00002 and 0.00004; ExAC 0.00006; gnomAD 0.00013 and 0.00016; TOPMed 0.00017; ESP Exome Variant Server 0.00023.
gnomAD v4.1: 46 of 1,613,988 alleles (0.0029%); highest among the groups gnomAD compares: African/African-American, 0.041%; no homozygotes.

Submissions (5):

PreventionGenetics, part of Exact Sciences
Classification: Uncertain significance for COL4A1-related condition. Last evaluated: 2026-09-01. Review status: criteria provided, single submitter. Criteria: ACMG Guidelines, 2015. Collection method: clinical testing. Allele origin: germline.
Comment: The COL4A1 c.1187G>A variant is predicted to result in the amino acid substitution p.Arg396Gln. To our knowledge, this variant has not been reported in the literature. This variant is reported in 0.040% of alleles in individuals of African descent in gnomAD. At this time, the clinical significance of this variant is uncertain due to the absence of conclusive functional and genetic evidence.

Labcorp Genetics (formerly Invitae), Labcorp
Classification: Likely benign. Last evaluated: 2025-09-10. Review status: criteria provided, single submitter. Criteria: Invitae Variant Classification Sherloc (09022015). Collection method: clinical testing. Allele origin: germline.

Ambry Genetics
Classification: Likely benign for Inborn genetic diseases. Last evaluated: 2025-06-10. Review status: criteria provided, single submitter. Criteria: Ambry Variant Classification Scheme 2023. Collection method: clinical testing. Allele origin: germline.

GeneDx
Classification: Uncertain significance. Last evaluated: 2024-05-15. Review status: criteria provided, single submitter. Criteria: GeneDx Variant Classification Process June 2021. Collection method: clinical testing. Allele origin: germline. Affected: yes.
Comment: In silico analysis indicates that this missense variant does not alter protein structure/function; Has not been previously published as pathogenic or benign to our knowledge; Occurs in the triple helical domain at the Y position in the canonical Gly-X-Y repeat; although this variant may have an effect on normal protein folding and function, missense substitution at the Y position is not a common mechanism of disease

Cambridge Genomics Laboratory, East Genomic Laboratory Hub, NHS Genomic Medicine Service
Classification: Likely benign for Intellectual disability. Last evaluated: 2019-12-06. Review status: criteria provided, single submitter. Criteria: ACGS Best Practice Guidelines for Variant Classification in Rare Disease 2020. Collection method: clinical testing. Allele origin: germline. Affected: yes. Observed: 1 variant allele.